The following is an entry in ClinVar:

ClinVar aggregate classification (germline): Uncertain significance (1 of 4 stars; one submission).

Conditions:
Charcot-Marie-Tooth disease dominant intermediate E. Also called: CHARCOT-MARIE-TOOTH NEUROPATHY WITH FOCAL SEGMENTAL GLOMERULONEPHRITIS. Identifiers: Orphanet 93114, MedGen C4302667, MONDO:0013758, OMIM 614455.
Focal segmental glomerulosclerosis 5 (FSGS5). Identifiers: Orphanet 656, MedGen C2750475, MONDO:0013191, OMIM 613237.

Submission:

Labcorp Genetics (formerly Invitae), Labcorp
Classification: Uncertain significance for Charcot-Marie-Tooth disease dominant intermediate E; Focal segmental glomerulosclerosis 5. Last evaluated: 2023-03-13. Review status: criteria provided, single submitter. Criteria: Invitae Variant Classification Sherloc (09022015). Collection method: clinical testing. Allele origin: germline.
Comment: In summary, the available evidence is currently insufficient to determine the role of this variant in disease. Therefore, it has been classified as a Variant of Uncertain Significance. This sequence change falls in intron 7 of the INF2 gene. It does not directly change the encoded amino acid sequence of the INF2 protein. It affects a nucleotide within the consensus splice site. This variant is not present in population databases (gnomAD no frequency). This variant has not been reported in the literature in individuals affected with INF2-related conditions. Variants that disrupt the consensus splice site are a relatively common cause of aberrant splicing (PMID: 17576681, 9536098). Algorithms developed to predict the effect of sequence changes on RNA splicing suggest that this variant may create or strengthen a splice site.

Literature cited by the submitters: PubMed 17576681; PubMed 9536098.

NM_022489.4(INF2):c.985+5G>A

Gene: INF2 (inverted formin 2; plus strand). Cytogenetic location: 14q32.33.
Variant type: single nucleotide variant.
Coding change: c.985+5G>A on transcript NM_022489.4 (MANE Select); 5 bases into the intron after coding-DNA position 985, G replaced by A.
Molecular consequence: intron variant.
Genome position (GRCh38, 1-based): chr14:104,707,056, G>A. VCF-style: chr14-104707056-G-A. GRCh37 (hg19) VCF-style: chr14-105173393-G-A.
Other names: c.985+5G>A (NM_001031714.4).
Identifiers: ClinVar variation 2945248 (VCV002945248.3), dbSNP rs2541915775, ClinGen allele CA2626815070.